The following is an entry in ClinVar:

NM_004713.6(NEMF):c.2488C>T (p.Pro830Ser)

Gene: NEMF (nuclear export mediator factor; minus strand). Cytogenetic location: 14q21.3.
Variant type: single nucleotide variant.
Coding change: c.2488C>T on transcript NM_004713.6 (MANE Select); coding-DNA position 2488, C replaced by T.
Protein change: p.Pro830Ser; replaces proline 830 with serine.
Molecular consequence: missense variant.
Genome position (GRCh38, 1-based): chr14:49,795,922, G>A on the plus strand (C>T on the coding strand, the complement: NEMF is on the minus strand). VCF-style: chr14-49795922-G-A. GRCh37 (hg19) VCF-style: chr14-50262640-G-A.
Other names: c.2425C>T, p.Pro809Ser (NM_001301732.3); short protein forms P809S, P830S.
Identifiers: ClinVar variation 4082718 (VCV004082718.1).

ClinVar aggregate classification (germline): Uncertain significance (1 of 4 stars; one submission).

gnomAD v4.1: 126 of 1,598,466 alleles (0.0079%); highest among the groups gnomAD compares: Non-Finnish European, 0.0099%; no homozygotes.

Submission:

GeneDx
Classification: Uncertain significance. Last evaluated: 2025-02-28. Review status: criteria provided, single submitter. Criteria: GeneDx Variant Classification Process June 2021. Collection method: clinical testing. Allele origin: germline. Affected: yes.
Comment: In silico analysis indicates that this missense variant does not alter protein structure/function; Has not been previously published as pathogenic or benign to our knowledge